The following is an entry in ClinVar:

NM_001130965.3(SUN1):c.865A>G (p.Ile289Val)

Gene: SUN1 (Sad1 and UNC84 domain containing 1; plus strand). Cytogenetic location: 7p22.3.
Variant type: single nucleotide variant.
Coding change: c.865A>G on transcript NM_001130965.3 (MANE Select); coding-DNA position 865, A replaced by G.
Protein change: p.Ile289Val; replaces isoleucine 289 with valine.
Molecular consequence: missense variant. On other transcripts: non-coding transcript variant (3).
Genome position (GRCh38, 1-based): chr7:852,622, A>G. VCF-style: chr7-852622-A-G. GRCh37 (hg19) VCF-style: chr7-892259-A-G.
Other names: c.559A>G, p.Ile187Val (NM_001171944.2); c.865A>G, p.Ile289Val (NM_001367633.1, NM_001367634.1, NM_001367653.1 and 3 more transcripts); c.514A>G, p.Ile172Val (NM_001367635.1); c.1108A>G, p.Ile370Val (NM_001367636.1, NM_001367655.1, NM_001367666.1 and 1 more transcripts); c.976A>G, p.Ile326Val (NM_001367638.1, NM_001367696.1, NM_001367664.1 and 1 more transcripts); c.409A>G, p.Ile137Val (NM_001367639.1); c.1048A>G, p.Ile350Val (NM_001367640.1, NM_001367675.1, NM_001367676.1); c.1147A>G, p.Ile383Val (NM_001367641.1, NM_001367682.1, NM_001367698.1); and 24 more; short protein forms H72R, I100V, I263V, I289V, I293V, I305V, I387V, I392V.
Identifiers: ClinVar variation 1346593 (VCV001346593.8), dbSNP rs758027769, ClinGen allele CA4111966.

ClinVar aggregate classification (germline): Uncertain significance (1 of 4 stars; one submission).

Conditions:
Emery-Dreifuss muscular dystrophy (EDMD). Also called: Scapuloperoneal syndrome, X-linked (formerly); Humeroperoneal neuromuscular disease, (formerly). Identifiers: Orphanet 261, MedGen C0410189, MONDO:0016830.

gnomAD v4.1: 28 of 1,614,248 alleles (0.0017%); highest among the groups gnomAD compares: Admixed American, 0.0033%; 1 homozygote.

Submission:

Labcorp Genetics (formerly Invitae), Labcorp
Classification: Uncertain significance for Emery-Dreifuss muscular dystrophy. Last evaluated: 2021-12-18. Review status: criteria provided, single submitter. Criteria: Invitae Variant Classification Sherloc (09022015). Collection method: clinical testing. Allele origin: germline.
Comment: In summary, the available evidence is currently insufficient to determine the role of this variant in disease. Therefore, it has been classified as a Variant of Uncertain Significance. Algorithms developed to predict the effect of missense changes on protein structure and function output the following: SIFT: "Tolerated"; PolyPhen-2: "Benign"; Align-GVGD: "Class C0". The valine amino acid residue is found in multiple mammalian species, which suggests that this missense change does not adversely affect protein function. This variant has not been reported in the literature in individuals affected with SUN1-related conditions. This variant is present in population databases (rs758027769, gnomAD 0.006%). This sequence change replaces isoleucine, which is neutral and non-polar, with valine, which is neutral and non-polar, at codon 289 of the SUN1 protein (p.Ile289Val).